The following is an entry in ClinVar:

NM_001458.5(FLNC):c.6949G>C (p.Val2317Leu)

Genes: FLNC (filamin C; plus strand), FLNC-AS1 (FLNC antisense RNA 1; minus strand). Cytogenetic location: 7q32.1.
Variant type: single nucleotide variant.
Coding change: c.6949G>C on transcript NM_001458.5 (MANE Select); coding-DNA position 6949, G replaced by C.
Protein change: p.Val2317Leu; replaces valine 2317 with leucine.
Molecular consequence: missense variant.
Genome position (GRCh38, 1-based): chr7:128,854,634, G>C. VCF-style: chr7-128854634-G-C. GRCh37 (hg19) VCF-style: chr7-128494688-G-C.
Other names: c.6850G>C, p.Val2284Leu (NM_001127487.2); short protein forms V2284L, V2317L.
Identifiers: ClinVar variation 3755087 (VCV003755087.2).

ClinVar aggregate classification (germline): Uncertain significance (1 of 4 stars; one submission).

Conditions:
Distal myopathy with posterior leg and anterior hand involvement. Also called: WILLIAMS DISTAL MYOPATHY. Identifiers: Orphanet 63273, MedGen C3279722, MONDO:0013550, OMIM 614065.
Hypertrophic cardiomyopathy 26. Also called: Cardiomyopathy, familial hypertrophic, 26. Identifiers: Orphanet 75249, MedGen C4310749, MONDO:0014883, OMIM 617047.
Myofibrillar myopathy 5. Also called: Filaminopathy (type); FILAMINOPATHY, AUTOSOMAL DOMINANT. Identifiers: Orphanet 171445, MedGen C1836050, MONDO:0012289, OMIM 609524.

Submission:

Labcorp Genetics (formerly Invitae), Labcorp
Classification: Uncertain significance for Distal myopathy with posterior leg and anterior hand involvement; Myofibrillar myopathy 5; Hypertrophic cardiomyopathy 26. Last evaluated: 2024-03-03. Review status: criteria provided, single submitter. Criteria: Invitae Variant Classification Sherloc (09022015). Collection method: clinical testing. Allele origin: germline.
Comment: This sequence change replaces valine, which is neutral and non-polar, with leucine, which is neutral and non-polar, at codon 2317 of the FLNC protein (p.Val2317Leu). This variant is not present in population databases (gnomAD no frequency). This variant has not been reported in the literature in individuals affected with FLNC-related conditions. Advanced modeling of protein sequence and biophysical properties (such as structural, functional, and spatial information, amino acid conservation, physicochemical variation, residue mobility, and thermodynamic stability) performed at Invitae indicates that this missense variant is not expected to disrupt FLNC protein function with a negative predictive value of 95%. In summary, the available evidence is currently insufficient to determine the role of this variant in disease. Therefore, it has been classified as a Variant of Uncertain Significance.